The following is an entry in ClinVar:

ClinVar aggregate classification (germline): Uncertain significance (1 of 4 stars; one submission).

Conditions:
Inborn genetic diseases. Identifiers: MedGen C0950123, MeSH D030342.

Allele frequency attached by ClinVar (database versions not stated): gnomAD exomes below 0.00001.
gnomAD v4.1: 2 of 1,614,104 alleles (0.00012%); highest among the groups gnomAD compares: Non-Finnish European, 0.00017%; no homozygotes.

Submission:

Ambry Genetics
Classification: Uncertain significance for Inborn genetic diseases. Last evaluated: 2023-10-31. Review status: criteria provided, single submitter. Criteria: Ambry Variant Classification Scheme 2023. Collection method: clinical testing. Allele origin: germline.
Comment: The p.R1968G variant (also known as c.5902A>G), located in coding exon 40 of the LRRK2 gene, results from an A to G substitution at nucleotide position 5902. The arginine at codon 1968 is replaced by glycine, an amino acid with dissimilar properties. This amino acid position is conserved. In addition, this alteration is predicted to be deleterious by in silico analysis. Since supporting evidence is limited at this time, the clinical significance of this alteration remains unclear.

NM_198578.4(LRRK2):c.5902A>G (p.Arg1968Gly)

Gene: LRRK2 (leucine rich repeat kinase 2; plus strand). Cytogenetic location: 12q12.
Variant type: single nucleotide variant.
Coding change: c.5902A>G on transcript NM_198578.4 (MANE Select); coding-DNA position 5902, A replaced by G.
Protein change: p.Arg1968Gly; replaces arginine 1968 with glycine.
Molecular consequence: missense variant.
Genome position (GRCh38, 1-based): chr12:40,335,111, A>G. VCF-style: chr12-40335111-A-G. GRCh37 (hg19) VCF-style: chr12-40728913-A-G.
Other names: short protein forms R1968G.
Identifiers: ClinVar variation 1750414 (VCV001750414.2), dbSNP rs2499930786, ClinGen allele CA384402341.